The following is an entry in ClinVar:

ClinVar aggregate classification (germline): Uncertain significance (1 of 4 stars; one submission).

Submission:

Ambry Genetics
Classification: Uncertain significance. Last evaluated: 2021-08-20. Review status: criteria provided, single submitter. Criteria: Ambry Variant Classification Scheme 2023. Collection method: clinical testing. Allele origin: germline.
Comment: The p.K712E variant (also known as c.2134A>G), located in coding exon 19 of the PRKDC gene, results from an A to G substitution at nucleotide position 2134. The lysine at codon 712 is replaced by glutamic acid, an amino acid with similar properties. This amino acid position is conserved. In addition, the in silico prediction for this alteration is inconclusive. Since supporting evidence is limited at this time, the clinical significance of this alteration remains unclear.

NM_006904.7(PRKDC):c.2134A>G (p.Lys712Glu)

Gene: PRKDC (protein kinase, DNA-activated, catalytic subunit; minus strand). Cytogenetic location: 8q11.21.
Variant type: single nucleotide variant.
Coding change: c.2134A>G on transcript NM_006904.7 (MANE Select); coding-DNA position 2134, A replaced by G.
Protein change: p.Lys712Glu; replaces lysine 712 with glutamic acid.
Molecular consequence: missense variant.
Genome position (GRCh38, 1-based): chr8:47,929,097, T>C on the plus strand (A>G on the coding strand, the complement: PRKDC is on the minus strand). VCF-style: chr8-47929097-T-C. GRCh37 (hg19) VCF-style: chr8-48841657-T-C.
Other names: c.2134A>G, p.Lys712Glu (NM_001081640.2); short protein forms K712E.
Identifiers: ClinVar variation 1786449 (VCV001786449.2), dbSNP rs2551878459, ClinGen allele CA371163753.